The following is an entry in ClinVar:

NM_000212.3(ITGB3):c.1843A>G (p.Ile615Val)

Gene: ITGB3 (integrin subunit beta 3; plus strand). Cytogenetic location: 17q21.32.
Variant type: single nucleotide variant.
Coding change: c.1843A>G on transcript NM_000212.3 (MANE Select); coding-DNA position 1843, A replaced by G.
Protein change: p.Ile615Val; replaces isoleucine 615 with valine.
Molecular consequence: missense variant.
Genome position (GRCh38, 1-based): chr17:47,299,460, A>G. VCF-style: chr17-47299460-A-G. GRCh37 (hg19) VCF-style: chr17-45376826-A-G.
Other names: NM_000212.3(ITGB3):c.1843A>G; p.Ile615Val; short protein forms I615V.
Identifiers: ClinVar variation 1803282 (VCV001803282.4), dbSNP rs768771257, ClinGen allele CA400032666.

ClinVar aggregate classification (germline): Uncertain significance. Review status: reviewed by expert panel (3 of 4 stars). 3 submissions from 3 submitters: Uncertain significance (1). 2 of the submissions do not count toward it. Last evaluated 2024-06-06.

Conditions:
Bleeding disorder, platelet-type, 24. Also called: GLANZMANN THROMBASTHENIA-LIKE WITH MACROTHROMBOCYTOPENIA 2. Identifiers: MedGen C5543280, MONDO:0030996, OMIM 619271.
Glanzmann thrombasthenia. Also called: Thrombasthenia; Glanzmann's thrombasthenia; PLATELET GLYCOPROTEIN IIb-IIIa DEFICIENCY; THROMBASTHENIA OF GLANZMANN AND NAEGELI. Identifiers: Orphanet 849, MedGen C0040015, MONDO:0100326.

gnomAD v4.1: 1 of 1,614,258 alleles (0.000062%); highest among the groups gnomAD compares: Non-Finnish European, 0.000085%; no homozygotes.

Submissions (3):

ClinGen Platelet Disorders Variant Curation Expert Panel, ClinGen
Classification: Uncertain significance for Glanzmann thrombasthenia. Last evaluated: 2024-06-06. Review status: reviewed by expert panel. Criteria: ClinGen Platelet ACMG Specifications v2-1. Collection method: curation. Allele origin: germline. Inheritance: Autosomal recessive inheritance.
Comment: The phase of the variants was confirmed by parental testing (BP2). The highest MAF in gnomADv4.0.0 is 8.993e-7 (1/1112012) alleles in the European (non-Finnish) population, below the threshold of <0.0001 for PM2_supporting. In summary, the variant is classified as uncertain significance for autosomal recessive Glanzmann thrombasthenia according to the ACMG/AMP criteria as specified by the PD VCEP: PM2_supporting and BP2.

Women's Health and Genetics/Laboratory Corporation of America, LabCorp
Classification: Uncertain significance. Last evaluated: 2025-07-23. Review status: criteria provided, single submitter. Criteria: LabCorp Variant Classification Summary - May 2015. Collection method: clinical testing. Allele origin: germline. Not counted in ClinVar's aggregate classification.
Comment: Variant summary: ITGB3 c.1843A>G (p.Ile615Val) results in a conservative amino acid change in the encoded protein sequence. Algorithms developed to predict the effect of missense changes on protein structure and function are either unavailable or do not agree on the potential impact of this missense change. The variant was absent in 251438 control chromosomes. The available data on variant occurrences in the general population are insufficient to allow any conclusion about variant significance. c.1843A>G has been observed in the homozygous state in an individual affected with Glanzmann Thrombasthenia; however this individual was also homozygous for a synonymous variant that was shown to impact splicing, resulting in a premature stop codon (Xie_2005). Therefore, this report does not provide unequivocal conclusions about association of the c.1843A>G variant with Glanzmann Thrombasthenia. To our knowledge, no experimental evidence demonstrating an impact on protein function has been reported. The following publication has been ascertained in the context of this evaluation (PMID: 15886806). ClinVar contains an entry for this variant (Variation ID: 1803282). Based on the evidence outlined above, the variant was classified as uncertain significance.

Genetics and Molecular Pathology, SA Pathology
Classification: Uncertain significance for Bleeding disorder, platelet-type, 24. Last evaluated: 2022-05-24. Review status: criteria provided, single submitter. Criteria: ACMG Guidelines, 2015. Collection method: clinical testing. Allele origin: germline. Inheritance: Autosomal dominant inheritance. Affected: yes. Not counted in ClinVar's aggregate classification.

Literature cited by the submitters: PubMed 15886806 (cited by Women's Health and Genetics/Laboratory Corporation of America, LabCorp).